The following is an entry in ClinVar:

NM_000069.3(CACNA1S):c.1525C>A (p.Leu509Met)

Gene: CACNA1S (calcium voltage-gated channel subunit alpha1 S; minus strand). Cytogenetic location: 1q32.1.
Variant type: single nucleotide variant.
Coding change: c.1525C>A on transcript NM_000069.3 (MANE Select); coding-DNA position 1525, C replaced by A.
Protein change: p.Leu509Met; replaces leucine 509 with methionine.
Molecular consequence: missense variant.
Genome position (GRCh38, 1-based): chr1:201,077,973, G>T on the plus strand (C>A on the coding strand, the complement: CACNA1S is on the minus strand). VCF-style: chr1-201077973-G-T. GRCh37 (hg19) VCF-style: chr1-201047101-G-T.
Other names: short protein forms L509M.
Identifiers: ClinVar variation 2429421 (VCV002429421.3), dbSNP rs746863755, ClinGen allele CA344121633.

ClinVar aggregate classification (germline): Uncertain significance (1 of 4 stars; one submission).

Allele frequency attached by ClinVar (database versions not stated): gnomAD 0.00001; TOPMed 0.00001.
gnomAD v4.1: 1 of 1,614,040 alleles (0.000062%); highest among the groups gnomAD compares: African/African-American, 0.0013%; no homozygotes.

Submission:

Illumina Laboratory Services, Illumina
Classification: Uncertain significance. Last evaluated: 2022-11-08. Review status: criteria provided, single submitter. Criteria: ICSL CNVClassificationCriteria Aug2020. Collection method: clinical testing. Allele origin: unknown. Affected: yes.
Comment: The CACNA1S c.1525C>A (p.Leu509Met) missense variant results in the substitution of leucine at amino acid position 509 with methionine. To our knowledge, this variant has not been reported in the peer-reviewed literature. This variant is reported in the Genome Aggregation Database in one allele at a frequency of 0.0001147 in the African/African American population (version 2.1.1). Based on the available evidence, the c.1525C>A (p.Leu509Met) variant is classified as a variant of uncertain significance for CACNA1S-related congenital myopathy.